The following is an entry in ClinVar:

NM_017617.5(NOTCH1):c.1903+15G>A

Gene: NOTCH1 (notch receptor 1; minus strand). Cytogenetic location: 9q34.3.
Variant type: single nucleotide variant.
Coding change: c.1903+15G>A on transcript NM_017617.5 (MANE Select); 15 bases into the intron after coding-DNA position 1903, G replaced by A.
Molecular consequence: intron variant.
Genome position (GRCh38, 1-based): chr9:136,515,468, C>T on the plus strand (G>A on the coding strand, the complement: NOTCH1 is on the minus strand). VCF-style: chr9-136515468-C-T. GRCh37 (hg19) VCF-style: chr9-139409920-C-T.
Identifiers: ClinVar variation 2883119 (VCV002883119.3), dbSNP rs1261060825, ClinGen allele CA591367300.

ClinVar aggregate classification (germline): Uncertain significance (1 of 4 stars; one submission).

Conditions:
Adams-Oliver syndrome 5 (AOS5). Identifiers: Orphanet 974, MedGen C4014970, MONDO:0014459, OMIM 616028.

Allele frequency attached by ClinVar (database versions not stated): gnomAD 0.00001; gnomAD exomes 0.00001.

Submission:

Labcorp Genetics (formerly Invitae), Labcorp
Classification: Uncertain significance for Adams-Oliver syndrome 5. Last evaluated: 2024-06-24. Review status: criteria provided, single submitter. Criteria: Invitae Variant Classification Sherloc (09022015). Collection method: clinical testing. Allele origin: germline.
Comment: This sequence change falls in intron 11 of the NOTCH1 gene. It does not directly change the encoded amino acid sequence of the NOTCH1 protein. This variant is present in population databases (no rsID available, gnomAD 0.0009%). This variant has not been reported in the literature in individuals affected with NOTCH1-related conditions. Algorithms developed to predict the effect of sequence changes on RNA splicing suggest that this variant may disrupt the consensus splice site. In summary, the available evidence is currently insufficient to determine the role of this variant in disease. Therefore, it has been classified as a Variant of Uncertain Significance.